The following is an entry in ClinVar:

ClinVar aggregate classification (germline): Uncertain significance (1 of 4 stars; one submission).

Conditions:
Familial thoracic aortic aneurysm and aortic dissection (TAAD). Also called: Thoracic aortic aneurysms and dissections. Identifiers: Orphanet 91387, MedGen C4707243, MONDO:0019625.

Submission:

Labcorp Genetics (formerly Invitae), Labcorp
Classification: Uncertain significance for Familial thoracic aortic aneurysm and aortic dissection. Last evaluated: 2025-10-19. Review status: criteria provided, single submitter. Criteria: Invitae Variant Classification Sherloc (09022015). Collection method: clinical testing. Allele origin: germline.
Comment: This sequence change replaces aspartic acid, which is acidic and polar, with tyrosine, which is neutral and polar, at codon 290 of the TGFBR1 protein (p.Asp290Tyr). This variant is not present in population databases (gnomAD no frequency). This missense change has been observed in individual(s) with Ehlers-Danlos syndrome (PMID: 25944730). ClinVar contains an entry for this variant (Variation ID: 2735309). Invitae Evidence Modeling of protein sequence and biophysical properties (such as structural, functional, and spatial information, amino acid conservation, physicochemical variation, residue mobility, and thermodynamic stability) indicates that this missense variant is expected to disrupt TGFBR1 protein function with a positive predictive value of 80%. Algorithms developed to predict the effect of sequence changes on RNA splicing suggest that this variant may disrupt the consensus splice site. In summary, the available evidence is currently insufficient to determine the role of this variant in disease. Therefore, it has been classified as a Variant of Uncertain Significance.

Literature cited by the submitters: PubMed 25944730.

NM_004612.4(TGFBR1):c.868G>T (p.Asp290Tyr)

Gene: TGFBR1 (transforming growth factor beta receptor 1; plus strand). Cytogenetic location: 9q22.33.
Variant type: single nucleotide variant.
Coding change: c.868G>T on transcript NM_004612.4 (MANE Select); coding-DNA position 868, G replaced by T.
Protein change: p.Asp290Tyr; replaces aspartic acid 290 with tyrosine.
Molecular consequence: missense variant. On other transcripts: non-coding transcript variant (4), intron variant (2).
Genome position (GRCh38, 1-based): chr9:99,142,598, G>T. VCF-style: chr9-99142598-G-T. GRCh37 (hg19) VCF-style: chr9-101904880-G-T.
Other names: c.637G>T, p.Asp213Tyr (NM_001130916.3, NM_001407435.1); c.880G>T, p.Asp294Tyr (NM_001306210.2); c.673G>T, p.Asp225Tyr (NM_001407418.1, NM_001407419.1, NM_001407420.1 and 1 more transcripts); c.661G>T, p.Asp221Tyr (NM_001407423.1, NM_001407424.1, NM_001407425.1 and 8 more transcripts); c.622G>T, p.Asp208Tyr (NM_001407436.1); c.160G>T, p.Asp54Tyr (NM_001407437.1); c.391G>T, p.Asp131Tyr (NM_001407438.1); c.818-2134G>T (NM_001407416.1); and 1 more; short protein forms D294Y, D208Y, D131Y, D213Y, D221Y, D290Y, D225Y, D54Y.
Identifiers: ClinVar variation 2735309 (VCV002735309.3), dbSNP rs2490223461, ClinGen allele CA374230624.
Genomic context (GRCh38, chr9:99,142,598, plus strand): 5'-AATGGTACTTGGACTCAGCTCTGGTTGGTGTCAGATTATCATGAGCATGGATCCCTTTTT[G>T]ATTACTTAAACAGATACACAGTTACTGTGGAAGGAATGATAAAACTTGCTCTGTCCACGG-3'
Protein context (NP_004603.1, residues 280-300): SDYHEHGSLF[Asp290Tyr]YLNRYTVTVE